The following is an entry in ClinVar:

ClinVar aggregate classification (germline): Uncertain significance (1 of 4 stars; one submission).

gnomAD v4.1: 1 of 1,613,974 alleles (0.000062%); highest among the groups gnomAD compares: Non-Finnish European, 0.000085%; no homozygotes.

Submission:

GeneDx
Classification: Uncertain significance. Last evaluated: 2023-12-23. Review status: criteria provided, single submitter. Criteria: GeneDx Variant Classification Process June 2021. Collection method: clinical testing. Allele origin: germline. Affected: yes.
Comment: Not observed at significant frequency in large population cohorts (gnomAD); In silico analysis supports that this missense variant does not alter protein structure/function; Has not been previously published as pathogenic or benign to our knowledge

NM_173689.7(CRB2):c.2102G>C (p.Ser701Thr)

Gene: CRB2 (crumbs cell polarity complex component 2; plus strand). Cytogenetic location: 9q33.3.
Variant type: single nucleotide variant.
Coding change: c.2102G>C on transcript NM_173689.7 (MANE Select); coding-DNA position 2102, G replaced by C.
Protein change: p.Ser701Thr; replaces serine 701 with threonine.
Molecular consequence: missense variant. On other transcripts: non-coding transcript variant (1).
Genome position (GRCh38, 1-based): chr9:123,371,244, G>C. VCF-style: chr9-123371244-G-C. GRCh37 (hg19) VCF-style: chr9-126133523-G-C.
Other names: short protein forms S701T.
Identifiers: ClinVar variation 3370030 (VCV003370030.1).